The following is an entry in ClinVar:

ClinVar aggregate classification (germline): Uncertain significance (1 of 4 stars; one submission).

Conditions:
Andersen Tawil syndrome (LQT7). Also called: LONG QT SYNDROME 7; PERIODIC PARALYSIS, POTASSIUM-SENSITIVE CARDIODYSRHYTHMIC TYPE; ANDERSEN CARDIODYSRHYTHMIC PERIODIC PARALYSIS; Potassium-sensitive periodic paralysis, ventricular ectopy, and dysmorphic features; Andersen Syndrome. Identifiers: Orphanet 37553, MedGen C1563715, MONDO:0008222, OMIM 170390.
Short QT syndrome type 3. Identifiers: Orphanet 51083, MedGen C1865018, MONDO:0012314, OMIM 609622.

Submission:

Labcorp Genetics (formerly Invitae), Labcorp
Classification: Uncertain significance for Short QT syndrome type 3; Andersen Tawil syndrome. Last evaluated: 2020-02-15. Review status: criteria provided, single submitter. Criteria: Invitae Variant Classification Sherloc (09022015). Collection method: clinical testing. Allele origin: germline.
Comment: This sequence change replaces asparagine with isoleucine at codon 190 of the KCNJ2 protein (p.Asn190Ile). The asparagine residue is highly conserved and there is a large physicochemical difference between asparagine and isoleucine. This variant is not present in population databases (ExAC no frequency). This variant has been observed in an individual affected with Andersen-Tawil syndrome (PMID: 18313615). Algorithms developed to predict the effect of missense changes on protein structure and function are either unavailable or do not agree on the potential impact of this missense change (SIFT: "Deleterious"; PolyPhen-2: "Probably Damaging"; Align-GVGD: "Class C0"). In summary, the available evidence is currently insufficient to determine the role of this variant in disease. Therefore, it has been classified as a Variant of Uncertain Significance.

Literature cited by the submitters: PubMed 18313615.

NM_000891.3(KCNJ2):c.569A>T (p.Asn190Ile)

Gene: KCNJ2 (potassium inwardly rectifying channel subfamily J member 2; plus strand). Cytogenetic location: 17q24.3.
Variant type: single nucleotide variant.
Coding change: c.569A>T on transcript NM_000891.3 (MANE Select); coding-DNA position 569, A replaced by T.
Protein change: p.Asn190Ile; replaces asparagine 190 with isoleucine.
Molecular consequence: missense variant.
Genome position (GRCh38, 1-based): chr17:70,175,608, A>T. VCF-style: chr17-70175608-A-T. GRCh37 (hg19) VCF-style: chr17-68171749-A-T.
Other names: short protein forms N190I.
Identifiers: ClinVar variation 642863 (VCV000642863.10), dbSNP rs1598211282, ClinGen allele CA400861045.